The following is an entry in ClinVar:

NM_018136.5(ASPM):c.2462C>T (p.Pro821Leu)

Gene: ASPM (assembly factor for spindle microtubules; minus strand). Cytogenetic location: 1q31.3.
Variant type: single nucleotide variant.
Coding change: c.2462C>T on transcript NM_018136.5 (MANE Select); coding-DNA position 2462, C replaced by T.
Protein change: p.Pro821Leu; replaces proline 821 with leucine.
Molecular consequence: missense variant.
Genome position (GRCh38, 1-based): chr1:197,132,310, G>A on the plus strand (C>T on the coding strand, the complement: ASPM is on the minus strand). VCF-style: chr1-197132310-G-A. GRCh37 (hg19) VCF-style: chr1-197101440-G-A.
Other names: c.2462C>T, p.Pro821Leu (NM_001206846.2); short protein forms P821L.
Identifiers: ClinVar variation 1898584 (VCV001898584.5), dbSNP rs755000489, ClinGen allele CA1310450.

ClinVar aggregate classification (germline): Uncertain significance (1 of 4 stars; one submission).

Allele frequency attached by ClinVar (database versions not stated): gnomAD exomes below 0.00001; ExAC 0.00002; TOPMed 0.00003; gnomAD 0.00005.
gnomAD v4.1: 10 of 1,612,992 alleles (0.00062%); highest among the groups gnomAD compares: African/African-American, 0.013%; no homozygotes.

Submission:

Labcorp Genetics (formerly Invitae), Labcorp
Classification: Uncertain significance. Last evaluated: 2024-12-16. Review status: criteria provided, single submitter. Criteria: Invitae Variant Classification Sherloc (09022015). Collection method: clinical testing. Allele origin: germline.
Comment: This sequence change replaces proline, which is neutral and non-polar, with leucine, which is neutral and non-polar, at codon 821 of the ASPM protein (p.Pro821Leu). This variant is present in population databases (rs755000489, gnomAD 0.02%). This variant has not been reported in the literature in individuals affected with ASPM-related conditions. ClinVar contains an entry for this variant (Variation ID: 1898584). Invitae Evidence Modeling of protein sequence and biophysical properties (such as structural, functional, and spatial information, amino acid conservation, physicochemical variation, residue mobility, and thermodynamic stability) has been performed for this missense variant. However, the output from this modeling did not meet the statistical confidence thresholds required to predict the impact of this variant on ASPM protein function. In summary, the available evidence is currently insufficient to determine the role of this variant in disease. Therefore, it has been classified as a Variant of Uncertain Significance.